The following is an entry in ClinVar:

NM_002968.3(SALL1):c.2393T>G (p.Val798Gly)

Gene: SALL1 (spalt like transcription factor 1; minus strand). Cytogenetic location: 16q12.1.
Variant type: single nucleotide variant.
Coding change: c.2393T>G on transcript NM_002968.3 (MANE Select); coding-DNA position 2393, T replaced by G.
Protein change: p.Val798Gly; replaces valine 798 with glycine.
Molecular consequence: missense variant.
Genome position (GRCh38, 1-based): chr16:51,139,829, A>C on the plus strand (T>G on the coding strand, the complement: SALL1 is on the minus strand). VCF-style: chr16-51139829-A-C. GRCh37 (hg19) VCF-style: chr16-51173740-A-C.
Other names: c.2102T>G, p.Val701Gly (NM_001127892.2); short protein forms V701G, V798G.
Identifiers: ClinVar variation 1916278 (VCV001916278.7), dbSNP rs762701025, ClinGen allele CA395885155.

ClinVar aggregate classification (germline): Uncertain significance. Review status: criteria provided, multiple submitters, no conflicts (2 of 4 stars). 3 submissions from 3 submitters: Uncertain significance (3). Last evaluated 2026-07-03.

Conditions:
Townes syndrome (TBS). Also called: Townes-Brocks syndrome. Identifiers: Orphanet 857, MedGen C0265246, MeSH C536974, MONDO:0007142.
Inborn genetic diseases. Identifiers: MedGen C0950123, MeSH D030342.

Allele frequency attached by ClinVar (database versions not stated): TOPMed below 0.00001.

Submissions (3):

Ambry Genetics
Classification: Uncertain significance for Inborn genetic diseases. Last evaluated: 2026-07-03. Review status: criteria provided, single submitter. Criteria: Ambry Variant Classification Scheme 2023. Collection method: clinical testing. Allele origin: germline.

GeneDx
Classification: Uncertain significance. Last evaluated: 2024-06-26. Review status: criteria provided, single submitter. Criteria: GeneDx Variant Classification Process June 2021. Collection method: clinical testing. Allele origin: germline. Affected: yes.
Comment: Not observed at significant frequency in large population cohorts (gnomAD); In silico analysis supports that this missense variant has a deleterious effect on protein structure/function; Has not been previously published as pathogenic or benign to our knowledge

Labcorp Genetics (formerly Invitae), Labcorp
Classification: Uncertain significance for Townes syndrome. Last evaluated: 2022-10-07. Review status: criteria provided, single submitter. Criteria: Invitae Variant Classification Sherloc (09022015). Collection method: clinical testing. Allele origin: germline.
Comment: This variant is not present in population databases (gnomAD no frequency). This sequence change replaces valine, which is neutral and non-polar, with glycine, which is neutral and non-polar, at codon 798 of the SALL1 protein (p.Val798Gly). This variant has not been reported in the literature in individuals affected with SALL1-related conditions. In summary, the available evidence is currently insufficient to determine the role of this variant in disease. Therefore, it has been classified as a Variant of Uncertain Significance. Advanced modeling of protein sequence and biophysical properties (such as structural, functional, and spatial information, amino acid conservation, physicochemical variation, residue mobility, and thermodynamic stability) performed at Invitae indicates that this missense variant is not expected to disrupt SALL1 protein function.